The following is an entry in ClinVar:

NM_015166.4(MLC1):c.1059+12_1059+13insGCTGGGGAGGTGAGTGGCCTGTGGGGTGGGGGT

Gene: MLC1 (modulator of VRAC current 1; minus strand). Cytogenetic location: 22q13.33.
Variant type: Insertion.
Coding change: c.1059+12_1059+13insGCTGGGGAGGTGAGTGGCCTGTGGGGTGGGGGT on transcript NM_015166.4 (MANE Select); bases 12 to 13 of the intron after coding-DNA position 1059, GCTGGGGAGGTGAGTGGCCTGTGGGGTGGGGGT inserted.
Molecular consequence: splice donor variant.
Genome position: GRCh38: chr22:50,064,042-50,064,043. GRCh37 (hg19): chr22:50,502,471-50,502,472.
Other names: c.1059+12_1059+13insGCTGGGGAGGTGAGTGGCCTGTGGGGTGGGGGT (NM_001376474.1, NM_001376475.1, NM_001376476.1 and 5 more transcripts); c.822+12_822+13insGCTGGGGAGGTGAGTGGCCTGTGGGGTGGGGGT (NM_001376484.1); c.969+12_969+13insGCTGGGGAGGTGAGTGGCCTGTGGGGTGGGGGT (NM_001376480.1); c.903+12_903+13insGCTGGGGAGGTGAGTGGCCTGTGGGGTGGGGGT (NM_001376482.1, NM_001376483.1); c.957+12_957+13insGCTGGGGAGGTGAGTGGCCTGTGGGGTGGGGGT (NM_001376481.1); c.1002+12_1002+13insGCTGGGGAGGTGAGTGGCCTGTGGGGTGGGGGT (NM_001376479.1).
Identifiers: ClinVar variation 1706221 (VCV001706221.3), dbSNP rs1569241858, ClinGen allele CA640352992.

ClinVar aggregate classification (germline): Uncertain significance (1 of 4 stars; one submission).

Submission:

GeneDx
Classification: Uncertain significance. Last evaluated: 2025-04-03. Review status: criteria provided, single submitter. Criteria: GeneDx Variant Classification Process June 2021. Collection method: clinical testing. Allele origin: germline.
Comment: Not observed at significant frequency in large population cohorts (gnomAD); Has not been previously published as pathogenic or benign to our knowledge; In silico analysis suggests this variant may impact gene splicing. In the absence of RNA/functional studies, the actual effect of this sequence change is unknown.